The following is an entry in ClinVar:

NM_000719.7(CACNA1C):c.122A>T (p.Glu41Val)

Gene: CACNA1C (calcium voltage-gated channel subunit alpha1 C; plus strand). Cytogenetic location: 12p13.33.
Variant type: single nucleotide variant.
Coding change: c.122A>T on transcript NM_000719.7 (MANE Select); coding-DNA position 122, A replaced by T.
Protein change: p.Glu41Val; replaces glutamic acid 41 with valine.
Molecular consequence: missense variant.
Genome position (GRCh38, 1-based): chr12:2,115,296, A>T. VCF-style: chr12-2115296-A-T. GRCh37 (hg19) VCF-style: chr12-2224462-A-T.
Other names: c.122A>T, p.Glu41Val (NM_001129827.2, NM_001129829.2, NM_001129830.3 and 19 more transcripts); short protein forms E41V.
Identifiers: ClinVar variation 657620 (VCV000657620.11), dbSNP rs1451260431, ClinGen allele CA383652977.
Genomic context (GRCh38, chr12:2,115,296, plus strand): 5'-GGAGCCCACGCCCCGCCCATGCCAACATGAATGCCAATGCGGCAGCGGGGCTGGCCCCTG[A>T]GCACATCCCCACCCCGGGGGCTGCCCTGTCGTGGCAGGCGGCCATCGACGCAGCCCGGCA-3'
Protein context (NP_000710.5, residues 31-51): NANAAAGLAP[Glu41Val]HIPTPGAALS

ClinVar aggregate classification (germline): Uncertain significance (1 of 4 stars; one submission).

Conditions:
Long QT syndrome (LQTS). Identifiers: MedGen C0023976, MeSH D008133, MONDO:0002442. Disease mechanism: loss of function. Inheritance: Various modes of inheritance.

Allele frequency attached by ClinVar (database versions not stated): gnomAD exomes below 0.00001; gnomAD 0.00001; TOPMed 0.00001.
gnomAD v4.1: 3 of 1,593,820 alleles (0.00019%); highest among the groups gnomAD compares: African/African-American, 0.004%; no homozygotes.

Submission:

Labcorp Genetics (formerly Invitae), Labcorp
Classification: Uncertain significance for Long QT syndrome. Last evaluated: 2022-12-01. Review status: criteria provided, single submitter. Criteria: Invitae Variant Classification Sherloc (09022015). Collection method: clinical testing. Allele origin: germline.
Comment: In summary, the available evidence is currently insufficient to determine the role of this variant in disease. Therefore, it has been classified as a Variant of Uncertain Significance. Advanced modeling of protein sequence and biophysical properties (such as structural, functional, and spatial information, amino acid conservation, physicochemical variation, residue mobility, and thermodynamic stability) performed at Invitae indicates that this missense variant is not expected to disrupt CACNA1C protein function. ClinVar contains an entry for this variant (Variation ID: 657620). This variant has not been reported in the literature in individuals affected with CACNA1C-related conditions. This variant is not present in population databases (gnomAD no frequency). This sequence change replaces glutamic acid, which is acidic and polar, with valine, which is neutral and non-polar, at codon 41 of the CACNA1C protein (p.Glu41Val).